The following is an entry in ClinVar:

NM_001040142.2(SCN2A):c.1889G>A (p.Arg630His)

Gene: SCN2A (sodium voltage-gated channel alpha subunit 2; plus strand). Cytogenetic location: 2q24.3.
Variant type: single nucleotide variant.
Coding change: c.1889G>A on transcript NM_001040142.2 (MANE Select); coding-DNA position 1889, G replaced by A.
Protein change: p.Arg630His; replaces arginine 630 with histidine.
Molecular consequence: missense variant.
Genome position (GRCh38, 1-based): chr2:165,323,373, G>A. VCF-style: chr2-165323373-G-A. GRCh37 (hg19) VCF-style: chr2-166179883-G-A.
Other names: c.1889G>A, p.Arg630His (NM_001040143.2, NM_001371246.1, NM_001371247.1 and 1 more transcripts); short protein forms R630H.
Identifiers: ClinVar variation 436660 (VCV000436660.40), dbSNP rs150040573, ClinGen allele CA1939882.

ClinVar aggregate classification (germline): Conflicting classifications of pathogenicity. Review status: criteria provided, conflicting classifications (1 of 4 stars). 4 submissions from 4 submitters: Uncertain significance (2); Likely benign (2). Last evaluated 2025-02-16.

Conditions:
Seizures, benign familial infantile, 3 (BFIS3). Also called: Familial neonatal seizures; CONVULSIONS, BENIGN FAMILIAL INFANTILE, 3. Identifiers: Orphanet 140927, Orphanet 306, MedGen C1843140, MONDO:0011904, OMIM 607745.
Developmental and epileptic encephalopathy, 11 (DEE11). Also called: Early infantile epileptic encephalopathy 11. Identifiers: Orphanet 1934, MedGen C3150987, MONDO:0013388, OMIM 613721.

Allele frequency attached by ClinVar (database versions not stated): gnomAD exomes 0.00002; TOPMed 0.00004; ESP Exome Variant Server 0.00008; ExAC 0.00002.
gnomAD v4.1: 11 of 1,614,174 alleles (0.00068%); highest among the groups gnomAD compares: Admixed American, 0.0033%; no homozygotes.

Submissions (4):

Labcorp Genetics (formerly Invitae), Labcorp
Classification: Likely benign for Seizures, benign familial infantile, 3; Developmental and epileptic encephalopathy, 11. Last evaluated: 2025-02-16. Review status: criteria provided, single submitter. Criteria: Invitae Variant Classification Sherloc (09022015). Collection method: clinical testing. Allele origin: germline.

CeGaT Center for Human Genetics Tuebingen
Classification: Uncertain significance. Last evaluated: 2022-08-01. Review status: criteria provided, single submitter. Criteria: CeGaT Center For Human Genetics Tuebingen Variant Classification Criteria Version 2. Collection method: clinical testing. Allele origin: germline. Affected: yes. Observed: 1 variant allele.
Comment: SCN2A: PP2

GeneDx
Classification: Likely benign. Last evaluated: 2019-10-22. Review status: criteria provided, single submitter. Criteria: GeneDx Variant Classification Process June 2021. Collection method: clinical testing. Allele origin: germline. Affected: yes.
Comment: The majority of missense variants in this gene are considered pathogenic (Stenson et al., 2014); In silico analysis, which includes protein predictors and evolutionary conservation, supports that this variant does not alter protein structure/function; Predicted to be in the cytoplasmic loop between the first and second homologous domains; Has not been previously published as pathogenic or benign to our knowledge

Genetic Services Laboratory, University of Chicago
Classification: Uncertain significance. Last evaluated: 2016-06-02. Review status: criteria provided, single submitter. Criteria: ACMG Guidelines, 2015. Collection method: clinical testing. Allele origin: germline. Affected: no.